The following is an entry in ClinVar:

ClinVar aggregate classification (germline): Conflicting classifications of pathogenicity. Review status: criteria provided, conflicting classifications (1 of 4 stars). 2 submissions from 2 submitters: Uncertain significance (1); Likely benign (1). Last evaluated 2022-07-01.

Allele frequency attached by ClinVar (database versions not stated): ExAC 0.00007; gnomAD 0.00011; ESP Exome Variant Server 0.00015.
gnomAD v4.1: 220 of 1,612,942 alleles (0.014%); highest among the groups gnomAD compares: Admixed American, 0.02%; no homozygotes.

Submissions (2):

CeGaT Center for Human Genetics Tuebingen
Classification: Likely benign. Last evaluated: 2022-07-01. Review status: criteria provided, single submitter. Criteria: CeGaT Center For Human Genetics Tuebingen Variant Classification Criteria Version 2. Collection method: clinical testing. Allele origin: germline. Affected: yes. Observed: 1 variant allele.
Comment: NUMA1: BP4

Ambry Genetics
Classification: Uncertain significance. Last evaluated: 2022-01-10. Review status: criteria provided, single submitter. Criteria: Ambry Variant Classification Scheme 2023. Collection method: clinical testing. Allele origin: germline.

NM_006185.4(NUMA1):c.1033A>T (p.Thr345Ser)

Genes: NUMA1 (nuclear mitotic apparatus protein 1; minus strand), NUMA1-AS1 (NUMA1 antisense RNA 1; plus strand). Cytogenetic location: 11q13.4.
Variant type: single nucleotide variant.
Coding change: c.1033A>T on transcript NM_006185.4 (MANE Select); coding-DNA position 1033, A replaced by T.
Protein change: p.Thr345Ser; replaces threonine 345 with serine.
Molecular consequence: missense variant. On other transcripts: non-coding transcript variant (1).
Genome position (GRCh38, 1-based): chr11:72,017,773, T>A on the plus strand (A>T on the coding strand, the complement: NUMA1 is on the minus strand). VCF-style: chr11-72017773-T-A. GRCh37 (hg19) VCF-style: chr11-71728819-T-A.
Other names: c.1033A>T, p.Thr345Ser (NM_001286561.2); short protein forms T345S.
Identifiers: ClinVar variation 2642115 (VCV002642115.25), dbSNP rs150123720, ClinGen allele CA6167735.